The following is an entry in ClinVar:

NM_015570.4(AUTS2):c.3776G>A (p.Arg1259Gln)

Gene: AUTS2 (activator of transcription and developmental regulator AUTS2; plus strand). Cytogenetic location: 7q11.22.
Variant type: single nucleotide variant.
Coding change: c.3776G>A on transcript NM_015570.4 (MANE Select); coding-DNA position 3776, G replaced by A.
Protein change: p.Arg1259Gln; replaces arginine 1259 with glutamine.
Molecular consequence: missense variant.
Genome position (GRCh38, 1-based): chr7:70,790,992, G>A. VCF-style: chr7-70790992-G-A. GRCh37 (hg19) VCF-style: chr7-70255978-G-A.
Other names: c.3776G>A (NM_015570.3); c.3704G>A, p.Arg1235Gln (NM_001127231.3); short protein forms R1235Q, R1259Q.
Identifiers: ClinVar variation 1319750 (VCV001319750.30), dbSNP rs148604002, ClinGen allele CA4281422.

ClinVar aggregate classification (germline): Conflicting classifications of pathogenicity. Review status: criteria provided, conflicting classifications (1 of 4 stars). 4 submissions from 4 submitters: Uncertain significance (1); Benign (1); Likely benign (2). Last evaluated 2025-10-26.

Conditions:
Intellectual disability. Also called: Intellectual functioning disability; Intellectual developmental disorder; intellectual disabilities. Identifiers: MedGen C3714756, MeSH D008607, MONDO:0001071, HP:0001249.
AUTS2-related disorder. Also called: AUTS2-related condition.

Allele frequency attached by ClinVar (database versions not stated): ESP Exome Variant Server 0.00015; TOPMed 0.00019; gnomAD 0.00022 and 0.00023; 1000 Genomes Project 30x 0.00031; 1000 Genomes Project 0.00040.
gnomAD v4.1: 222 of 1,495,088 alleles (0.015%); highest among the groups gnomAD compares: Non-Finnish European, 0.019%; no homozygotes.

Submissions (4):

Labcorp Genetics (formerly Invitae), Labcorp
Classification: Benign. Last evaluated: 2025-10-26. Review status: criteria provided, single submitter. Criteria: Invitae Variant Classification Sherloc (09022015). Collection method: clinical testing. Allele origin: germline.

PreventionGenetics, part of Exact Sciences
Classification: Likely benign for AUTS2-related condition. Last evaluated: 2025-08-13. Review status: criteria provided, single submitter. Criteria: ACMG Guidelines, 2015. Collection method: clinical testing. Allele origin: germline.
Comment: This variant is classified as likely benign based on ACMG/AMP sequence variant interpretation guidelines (Richards et al. 2015 PMID: 25741868, with internal and published modifications).

Institute for Clinical Genetics, University Hospital TU Dresden, University Hospital TU Dresden
Classification: Uncertain significance. Last evaluated: 2021-11-03. Review status: criteria provided, single submitter. Criteria: ACMG Guidelines, 2015. Collection method: clinical testing. Allele origin: germline.

Cambridge Genomics Laboratory, East Genomic Laboratory Hub, NHS Genomic Medicine Service
Classification: Likely benign for Intellectual disability. Last evaluated: 2020-04-29. Review status: criteria provided, single submitter. Criteria: ACGS Best Practice Guidelines for Variant Classification in Rare Disease 2020. Collection method: clinical testing. Allele origin: germline. Affected: yes. Observed: 1 variant allele.